The following is an entry in ClinVar:

ClinVar aggregate classification (germline): Uncertain significance. Review status: criteria provided, multiple submitters, no conflicts (2 of 4 stars). 3 submissions from 3 submitters: Uncertain significance (3). Last evaluated 2025-12-16.

Conditions:
Cardiovascular phenotype. Identifiers: MedGen CN230736.
Hypertrophic cardiomyopathy 14. Identifiers: MedGen C2750467, MONDO:0013197, OMIM 613251.

Allele frequency attached by ClinVar (database versions not stated): gnomAD 0.00001; ExAC 0.00002; gnomAD exomes 0.00002 and 0.00005; TOPMed 0.00002.
gnomAD v4.1: 13 of 1,614,094 alleles (0.00081%); highest among the groups gnomAD compares: Admixed American, 0.022%; no homozygotes.

Submissions (3):

Labcorp Genetics (formerly Invitae), Labcorp
Classification: Uncertain significance for Hypertrophic cardiomyopathy 14. Last evaluated: 2025-12-16. Review status: criteria provided, single submitter. Criteria: Invitae Variant Classification Sherloc (09022015). Collection method: clinical testing. Allele origin: germline.
Comment: This sequence change replaces glutamic acid, which is acidic and polar, with glutamine, which is neutral and polar, at codon 1030 of the MYH6 protein (p.Glu1030Gln). This variant is present in population databases (rs779155360, gnomAD 0.04%). This variant has not been reported in the literature in individuals affected with MYH6-related conditions. ClinVar contains an entry for this variant (Variation ID: 568635). Invitae Evidence Modeling of protein sequence and biophysical properties (such as structural, functional, and spatial information, amino acid conservation, physicochemical variation, residue mobility, and thermodynamic stability) has been performed for this missense variant. However, the output from this modeling did not meet the statistical confidence thresholds required to predict the impact of this variant on MYH6 protein function. In summary, the available evidence is currently insufficient to determine the role of this variant in disease. Therefore, it has been classified as a Variant of Uncertain Significance.

Ambry Genetics
Classification: Uncertain significance for Cardiovascular phenotype. Last evaluated: 2025-12-07. Review status: criteria provided, single submitter. Criteria: Ambry Variant Classification Scheme 2023. Collection method: clinical testing. Allele origin: germline.
Comment: The p.E1030Q variant (also known as c.3088G>C), located in coding exon 21 of the MYH6 gene, results from a G to C substitution at nucleotide position 3088. The glutamic acid at codon 1030 is replaced by glutamine, an amino acid with highly similar properties. This amino acid position is highly conserved in available vertebrate species. In addition, the in silico prediction for this alteration is inconclusive. Since supporting evidence is limited at this time, the clinical significance of this alteration remains unclear.

GeneDx
Classification: Uncertain significance. Last evaluated: 2023-11-20. Review status: criteria provided, single submitter. Criteria: GeneDx Variant Classification Process June 2021. Collection method: clinical testing. Allele origin: germline. Affected: yes.
Comment: In silico analysis supports that this missense variant does not alter protein structure/function; Has not been previously published as pathogenic or benign to our knowledge

NM_002471.4(MYH6):c.3088G>C (p.Glu1030Gln)

Gene: MYH6 (myosin heavy chain 6; minus strand). Cytogenetic location: 14q11.2.
Variant type: single nucleotide variant.
Coding change: c.3088G>C on transcript NM_002471.4 (MANE Select); coding-DNA position 3088, G replaced by C.
Protein change: p.Glu1030Gln; replaces glutamic acid 1030 with glutamine.
Molecular consequence: missense variant.
Genome position (GRCh38, 1-based): chr14:23,393,359, C>G on the plus strand (G>C on the coding strand, the complement: MYH6 is on the minus strand). VCF-style: chr14-23393359-C-G. GRCh37 (hg19) VCF-style: chr14-23862568-C-G.
Other names: short protein forms E1030Q.
Identifiers: ClinVar variation 568635 (VCV000568635.12), dbSNP rs779155360, ClinGen allele CA7115317.